The following is an entry in ClinVar:

ClinVar aggregate classification (germline): Likely benign. Review status: reviewed by expert panel (3 of 4 stars). 4 submissions from 4 submitters: Likely benign (1). 3 of the submissions do not count toward it. Last evaluated 2025-03-13.

Conditions:
Creatine transporter deficiency (CCDS1). Also called: Mental retardation , X-linked with seizures, short stature and midface hypoplasia; Mental retardation , X-linked, with creatine transport deficiency; X-linked creatine transporter deficiency; X-linked creatine deficiency syndrome; SLC6A8-Related Creatine Transporter Deficiency; CREATINE TRANSPORTER DEFECT. Identifiers: Orphanet 52503, MedGen C1845862, MONDO:0010305, OMIM 300352.

Allele frequency attached by ClinVar (database versions not stated): TOPMed 0.00002; gnomAD 0.00003.

Submissions (4):

ClinGen Cerebral Creatine Deficiency Syndromes Variant Curation Expert Panel, ClinGen
Classification: Likely benign for Creatine transporter deficiency. Last evaluated: 2025-03-13. Review status: reviewed by expert panel. Criteria: ClinGen_CCDS_ACMG_Specifications_SLC6A8_v1.1. Collection method: curation. Allele origin: germline. Inheritance: X-linked inheritance.
Comment: The NM_005629.4:c.1601T>C variant in SLC6A8 is a missense variant predicted to cause the substitution of an isoleucine by a threonine at amino acid position 534 (p.Ile534Thr). To our knowledge, this variant has not been reported in the literature and no functional studies are available. In gnomAD v4.1.0., the highest population minor allele frequency (MAF) is 0.00001229 (11/894936 alleles, 6 hemizygotes) in the European (Non-Finnish) population. While this MAF is below the ClinGen CCDS VCEP’s threshold for PM2_Supporting (<0.00002), PM2_Supporting cannot be applied due to the presence of hemizygotes. Overall, there are 7 hemizygotes in gnomAD v4.1.0 (6 in the European non-Finnish population and one in the remaining population) (BS2). The computational predictor REVEL gives a score of 0.474, which is less than the ClinGen CCDS VCEP’s threshold for PP3 (>0.75) but greater than the ClinGen CCDS VCEP’s threshold for BP4 (<0.2), such that neither of these criteria are met. There is a ClinVar entry for this variant (Variation ID: 212211). Due to the presence of 7 hemizygotes in gnomAD v4.1.0, the consensus of the CCDS VCEP is to classify this variant as likely benign for creatine transporter deficiency, a severe, pediatric onset neurodevelopmental disorder. SLC6A8-specific criteria applied, as specified by the ClinGen CCDS VCEP (Specifications Version 1.1.0): BS2 (Classification approved by the ClinGen Cerebral Creatine Deficiency Syndromes Variant Curation Expert Panel on March 13, 2025)

Labcorp Genetics (formerly Invitae), Labcorp
Classification: Uncertain significance for Creatine transporter deficiency. Last evaluated: 2024-09-14. Review status: criteria provided, single submitter. Criteria: Invitae Variant Classification Sherloc (09022015). Collection method: clinical testing. Allele origin: germline. Not counted in ClinVar's aggregate classification.
Comment: This sequence change replaces isoleucine, which is neutral and non-polar, with threonine, which is neutral and polar, at codon 534 of the SLC6A8 protein (p.Ile534Thr). This variant is present in population databases (rs797045971, gnomAD 0.02%). This variant has not been reported in the literature in individuals affected with SLC6A8-related conditions. ClinVar contains an entry for this variant (Variation ID: 212211). Invitae Evidence Modeling of protein sequence and biophysical properties (such as structural, functional, and spatial information, amino acid conservation, physicochemical variation, residue mobility, and thermodynamic stability) indicates that this missense variant is not expected to disrupt SLC6A8 protein function with a negative predictive value of 95%. In summary, the available evidence is currently insufficient to determine the role of this variant in disease. Therefore, it has been classified as a Variant of Uncertain Significance.

GeneDx
Classification: Uncertain significance. Last evaluated: 2023-02-13. Review status: criteria provided, single submitter. Criteria: GeneDx Variant Classification Process June 2021. Collection method: clinical testing. Allele origin: germline. Affected: yes. Not counted in ClinVar's aggregate classification.
Comment: In silico analysis supports that this missense variant does not alter protein structure/function; Has not been previously published as pathogenic or benign to our knowledge

Genetic Services Laboratory, University of Chicago
Classification: Likely benign. Last evaluated: 2014-06-08. Review status: criteria provided, single submitter. Criteria: ACMG Guidelines, 2015. Collection method: clinical testing. Allele origin: germline. Not counted in ClinVar's aggregate classification.

NM_005629.4(SLC6A8):c.1601T>C (p.Ile534Thr)

Gene: SLC6A8 (solute carrier family 6 member 8; plus strand). Cytogenetic location: Xq28.
Variant type: single nucleotide variant.
Coding change: c.1601T>C on transcript NM_005629.4 (MANE Select); coding-DNA position 1601, T replaced by C.
Protein change: p.Ile534Thr; replaces isoleucine 534 with threonine.
Molecular consequence: missense variant.
Genome position (GRCh38, 1-based): chrX:153,694,723, T>C. VCF-style: chrX-153694723-T-C. GRCh37 (hg19) VCF-style: chrX-152960178-T-C.
Other names: NM_005629.4(SLC6A8):c.1601T>C; p.Ile534Thr; c.1571T>C, p.Ile524Thr (NM_001142805.2); c.1256T>C, p.Ile419Thr (NM_001142806.1); short protein forms I534T, I524T, I419T.
Identifiers: ClinVar variation 212211 (VCV000212211.22), dbSNP rs797045971, ClinGen allele CA205226.